The following is an entry in ClinVar:

ClinVar aggregate classification (germline): not provided (0 of 4 stars; one submission).

Allele frequency attached by ClinVar (database versions not stated): gnomAD 0.00006 and 0.00020; TOPMed 0.00007; gnomAD exomes 0.00018; ExAC 0.00022; 1000 Genomes Project 0.00140; 1000 Genomes Project 30x 0.00141.
gnomAD v4.1: 116 of 1,609,520 alleles (0.0072%); highest among the groups gnomAD compares: East Asian, 0.1%; no homozygotes.

Submission:

Human Evolutionary Genetics, Institut Pasteur
No classification provided. Review status: no classification provided. Collection method: not provided. Allele origin: germline.
ClinVar note: Converted during submission from untested to not provided.

NM_001276700.2(NLRP6):c.1665G>A (p.Arg555=)

Genes: NLRP6 (NLR family pyrin domain containing 6; plus strand), LOC130005044 (ATAC-STARR-seq lymphoblastoid silent region 2991; plus strand). Cytogenetic location: 11p15.5.
Variant type: single nucleotide variant.
Coding change: c.1665G>A on transcript NM_001276700.2 (MANE Select); coding-DNA position 1665, G replaced by A.
Protein change: p.Arg555=; no amino-acid change (arginine 555 retained).
Molecular consequence: synonymous variant.
Genome position (GRCh38, 1-based): chr11:281,399, G>A. VCF-style: chr11-281399-G-A. GRCh37 (hg19) VCF-style: chr11-281399-G-A.
Other names: c.1665G>A, p.Arg555= (NM_138329.2).
Identifiers: ClinVar variation 103230 (VCV000103230.2), dbSNP rs199475807, ClinGen allele CA230288.
Genomic context (GRCh38, chr11:281,399, plus strand): 5'-GCCGCACAGCCACTTGGTGCTCACCACGCGCTTCCTCTTCGGACTGCTGAGCGCGGAGCG[G>A]ATGCGCGACATCGAGCGCCACTTCGGCTGCATGGTTTCAGAGCGTGTGAAGCAGGAGGCC-3'
Protein context (NP_001263629.1, residues 545-565): RFLFGLLSAE[Arg555=]MRDIERHFGC